The following is an entry in ClinVar:

NM_002907.4(RECQL):c.615G>T (p.Glu205Asp)

Gene: RECQL (RecQ like helicase; minus strand). Cytogenetic location: 12p12.1.
Variant type: single nucleotide variant.
Coding change: c.615G>T on transcript NM_002907.4 (MANE Select); coding-DNA position 615, G replaced by T.
Protein change: p.Glu205Asp; replaces glutamic acid 205 with aspartic acid.
Molecular consequence: missense variant.
Genome position (GRCh38, 1-based): chr12:21,483,461, C>A on the plus strand (G>T on the coding strand, the complement: RECQL is on the minus strand). VCF-style: chr12-21483461-C-A. GRCh37 (hg19) VCF-style: chr12-21636395-C-A.
Other names: c.615G>T (NM_002907.3); c.615G>T, p.Glu205Asp (NM_032941.3); short protein forms E205D.
Identifiers: ClinVar variation 1961510 (VCV001961510.7), dbSNP rs1943230678, ClinGen allele CA384127176.

ClinVar aggregate classification (germline): Uncertain significance. Review status: criteria provided, multiple submitters, no conflicts (2 of 4 stars). 2 submissions from 2 submitters: Uncertain significance (2). Last evaluated 2023-08-31.

Allele frequency attached by ClinVar (database versions not stated): TOPMed below 0.00001.
gnomAD v4.1: 1 of 1,604,732 alleles (0.000062%); no homozygotes.

Submissions (2):

Ambry Genetics
Classification: Uncertain significance. Last evaluated: 2023-08-31. Review status: criteria provided, single submitter. Criteria: Ambry Variant Classification Scheme 2023. Collection method: clinical testing. Allele origin: germline.
Comment: The p.E205D variant (also known as c.615G>T), located in coding exon 5 of the RECQL gene, results from a G to T substitution at nucleotide position 615. The glutamic acid at codon 205 is replaced by aspartic acid, an amino acid with highly similar properties. This amino acid position is highly conserved in available vertebrate species. In addition, the in silico prediction for this alteration is inconclusive. The evidence for this gene-disease relationship is limited; therefore, the clinical significance of this alteration is unclear.

Labcorp Genetics (formerly Invitae), Labcorp
Classification: Uncertain significance. Last evaluated: 2023-06-16. Review status: criteria provided, single submitter. Criteria: Invitae Variant Classification Sherloc (09022015). Collection method: clinical testing. Allele origin: germline.
Comment: This sequence change replaces glutamic acid, which is acidic and polar, with aspartic acid, which is acidic and polar, at codon 205 of the RECQL protein (p.Glu205Asp). This variant is not present in population databases (gnomAD no frequency). This variant has not been reported in the literature in individuals affected with RECQL-related conditions. ClinVar contains an entry for this variant (Variation ID: 1961510). Advanced modeling of protein sequence and biophysical properties (such as structural, functional, and spatial information, amino acid conservation, physicochemical variation, residue mobility, and thermodynamic stability) performed at Invitae indicates that this missense variant is not expected to disrupt RECQL protein function. In summary, the available evidence is currently insufficient to determine the role of this variant in disease. Therefore, it has been classified as a Variant of Uncertain Significance.